The following is an entry in ClinVar:

ClinVar aggregate classification (germline): Conflicting classifications of pathogenicity. Review status: criteria provided, conflicting classifications (1 of 4 stars). 3 submissions from 3 submitters: Uncertain significance (1); Likely benign (2). Last evaluated 2026-07-01.

Conditions:
Hereditary cancer-predisposing syndrome. Also called: Neoplastic Syndromes, Hereditary; Hereditary Cancer Syndrome; Tumor predisposition; Hereditary neoplastic syndrome. Identifiers: Orphanet 140162, MedGen C0027672, MeSH D009386, MONDO:0015356.
Gorlin syndrome. Also called: Nevoid Basal Cell Carcinoma Syndrome; Basal cell nevus syndrome. Identifiers: Orphanet 377, MedGen C0004779, MONDO:0007187.

Allele frequency attached by ClinVar (database versions not stated): TOPMed 0.00001; gnomAD 0.00001.
gnomAD v4.1: 3 of 1,612,600 alleles (0.00019%); highest among the groups gnomAD compares: Non-Finnish European, 0.00017%; no homozygotes.

Submissions (3):

Ambry Genetics
Classification: Likely benign for Hereditary cancer-predisposing syndrome. Last evaluated: 2026-07-01. Review status: criteria provided, single submitter. Criteria: Ambry Variant Classification Scheme 2023. Collection method: clinical testing. Allele origin: germline.

Labcorp Genetics (formerly Invitae), Labcorp
Classification: Uncertain significance for Gorlin syndrome. Last evaluated: 2025-05-04. Review status: criteria provided, single submitter. Criteria: Invitae Variant Classification Sherloc (09022015). Collection method: clinical testing. Allele origin: germline.
Comment: This sequence change replaces leucine, which is neutral and non-polar, with serine, which is neutral and polar, at codon 1311 of the PTCH1 protein (p.Leu1311Ser). This variant is not present in population databases (gnomAD no frequency). This variant has not been reported in the literature in individuals affected with PTCH1-related conditions. ClinVar contains an entry for this variant (Variation ID: 392816). Invitae Evidence Modeling of protein sequence and biophysical properties (such as structural, functional, and spatial information, amino acid conservation, physicochemical variation, residue mobility, and thermodynamic stability) indicates that this missense variant is not expected to disrupt PTCH1 protein function with a negative predictive value of 95%. In summary, the available evidence is currently insufficient to determine the role of this variant in disease. Therefore, it has been classified as a Variant of Uncertain Significance.

GeneDx
Classification: Likely benign. Last evaluated: 2017-01-09. Review status: criteria provided, single submitter. Criteria: GeneDx Variant Classification (06012015). Collection method: clinical testing. Allele origin: germline. Affected: yes.
Comment: This variant is considered likely benign or benign based on one or more of the following criteria: it is a conservative change, it occurs at a poorly conserved position in the protein, it is predicted to be benign by multiple in silico algorithms, and/or has population frequency not consistent with disease.

NM_000264.5(PTCH1):c.3932T>C (p.Leu1311Ser)

Gene: PTCH1 (patched 1; minus strand). Cytogenetic location: 9q22.32.
Variant type: single nucleotide variant.
Coding change: c.3932T>C on transcript NM_000264.5 (MANE Select); coding-DNA position 3932, T replaced by C.
Protein change: p.Leu1311Ser; replaces leucine 1311 with serine.
Molecular consequence: missense variant. On other transcripts: non-coding transcript variant (1).
Genome position (GRCh38, 1-based): chr9:95,447,324, A>G on the plus strand (T>C on the coding strand, the complement: PTCH1 is on the minus strand). VCF-style: chr9-95447324-A-G. GRCh37 (hg19) VCF-style: chr9-98209606-A-G.
Other names: c.3734T>C, p.Leu1245Ser (NM_001083602.3); c.3929T>C, p.Leu1310Ser (NM_001083603.3); c.3479T>C, p.Leu1160Ser (NM_001083604.3, NM_001083605.3, NM_001083606.3 and 1 more transcripts); c.3776T>C, p.Leu1259Ser (NM_001354918.2); short protein forms L1245S, L1311S, L1160S, L1259S, L1310S.
Identifiers: ClinVar variation 392816 (VCV000392816.14), dbSNP rs1057524645, ClinGen allele CA16605764.